The following is an entry in ClinVar:

NM_016628.5(WAC):c.1323A>G (p.Thr441=)

Gene: WAC (WW domain containing adaptor with coiled-coil; plus strand). Cytogenetic location: 10p12.1.
Variant type: single nucleotide variant.
Coding change: c.1323A>G on transcript NM_016628.5 (MANE Select); coding-DNA position 1323, A replaced by G.
Protein change: p.Thr441=; no amino-acid change (threonine 441 retained).
Molecular consequence: synonymous variant.
Genome position (GRCh38, 1-based): chr10:28,611,808, A>G. VCF-style: chr10-28611808-A-G. GRCh37 (hg19) VCF-style: chr10-28900737-A-G.
Other names: c.1188A>G, p.Thr396= (NM_100264.3); c.1014A>G, p.Thr338= (NM_100486.4).
Identifiers: ClinVar variation 3898662 (VCV003898662.7).

ClinVar aggregate classification (germline): Likely benign (1 of 4 stars; one submission).

gnomAD v4.1: 12 of 1,614,188 alleles (0.00074%); highest among the groups gnomAD compares: South Asian, 0.012%; no homozygotes.

Submission:

CeGaT Center for Human Genetics Tuebingen
Classification: Likely benign. Last evaluated: 2025-04-01. Review status: criteria provided, single submitter. Criteria: CeGaT Center For Human Genetics Tuebingen Variant Classification Criteria Version 2. Collection method: clinical testing. Allele origin: germline. Affected: yes. Observed: 1 variant allele.
Comment: WAC: BP4, BP7